The following is an entry in ClinVar:

NM_021814.5(ELOVL5):c.109A>T (p.Ile37Phe)

Gene: ELOVL5 (ELOVL fatty acid elongase 5; minus strand). Cytogenetic location: 6p12.1.
Variant type: single nucleotide variant.
Coding change: c.109A>T on transcript NM_021814.5 (MANE Select); coding-DNA position 109, A replaced by T.
Protein change: p.Ile37Phe; replaces isoleucine 37 with phenylalanine.
Molecular consequence: missense variant.
Genome position (GRCh38, 1-based): chr6:53,291,913, T>A on the plus strand (A>T on the coding strand, the complement: ELOVL5 is on the minus strand). VCF-style: chr6-53291913-T-A. GRCh37 (hg19) VCF-style: chr6-53156711-T-A.
Other names: c.109A>T, p.Ile37Phe (NM_001242828.2, NM_001242830.2, NM_001301856.2); c.109A>T (NM_001242828.1); short protein forms I37F.
Identifiers: ClinVar variation 3009317 (VCV003009317.4), dbSNP rs2533773161, ClinGen allele CA364483644.

ClinVar aggregate classification (germline): Uncertain significance. Review status: criteria provided, multiple submitters, no conflicts (2 of 4 stars). 2 submissions from 2 submitters: Uncertain significance (2). Last evaluated 2025-06-18.

Conditions:
Inborn genetic diseases. Identifiers: MedGen C0950123, MeSH D030342.

Submissions (2):

Ambry Genetics
Classification: Uncertain significance for Inborn genetic diseases. Last evaluated: 2025-06-18. Review status: criteria provided, single submitter. Criteria: Ambry Variant Classification Scheme 2023. Collection method: clinical testing. Allele origin: germline.

Labcorp Genetics (formerly Invitae), Labcorp
Classification: Uncertain significance. Last evaluated: 2023-11-02. Review status: criteria provided, single submitter. Criteria: Invitae Variant Classification Sherloc (09022015). Collection method: clinical testing. Allele origin: germline.
Comment: This sequence change replaces isoleucine, which is neutral and non-polar, with phenylalanine, which is neutral and non-polar, at codon 37 of the ELOVL5 protein (p.Ile37Phe). This variant is not present in population databases (gnomAD no frequency). This variant has not been reported in the literature in individuals affected with ELOVL5-related conditions. Advanced modeling of protein sequence and biophysical properties (such as structural, functional, and spatial information, amino acid conservation, physicochemical variation, residue mobility, and thermodynamic stability) performed at Invitae indicates that this missense variant is not expected to disrupt ELOVL5 protein function with a negative predictive value of 80%. In summary, the available evidence is currently insufficient to determine the role of this variant in disease. Therefore, it has been classified as a Variant of Uncertain Significance.